The following is an entry in ClinVar:

ClinVar aggregate classification (germline): Uncertain significance. Review status: criteria provided, multiple submitters, no conflicts (2 of 4 stars). 3 submissions from 3 submitters: Uncertain significance (3). Last evaluated 2025-04-30.

Conditions:
Hypoparathyroidism, familial isolated, 2. Identifiers: MedGen C5394383, MONDO:0020798, OMIM 618883.
Hyperparathyroidism 4 (HRPT4). Identifiers: MedGen C4479229, MONDO:0024570, OMIM 617343.
Familial hypoparathyroidism. Also called: Familial isolated hypoparathyroidism. Identifiers: Orphanet 2238, MedGen C1832648, MONDO:0016390.

Allele frequency attached by ClinVar (database versions not stated): ExAC 0.00002; gnomAD exomes 0.00004 and 0.00007; TOPMed 0.00006; gnomAD 0.00007.

Submissions (3):

Labcorp Genetics (formerly Invitae), Labcorp
Classification: Uncertain significance. Last evaluated: 2025-04-30. Review status: criteria provided, single submitter. Criteria: Invitae Variant Classification Sherloc (09022015). Collection method: clinical testing. Allele origin: germline.
Comment: This sequence change replaces alanine, which is neutral and non-polar, with threonine, which is neutral and polar, at codon 355 of the GCM2 protein (p.Ala355Thr). This variant is present in population databases (rs764488668, gnomAD 0.1%). This variant has not been reported in the literature in individuals affected with GCM2-related conditions. ClinVar contains an entry for this variant (Variation ID: 905293). Invitae Evidence Modeling of protein sequence and biophysical properties (such as structural, functional, and spatial information, amino acid conservation, physicochemical variation, residue mobility, and thermodynamic stability) indicates that this missense variant is not expected to disrupt GCM2 protein function with a negative predictive value of 80%. In summary, the available evidence is currently insufficient to determine the role of this variant in disease. Therefore, it has been classified as a Variant of Uncertain Significance.

Fulgent Genetics
Classification: Uncertain significance for Hyperparathyroidism 4; Hypoparathyroidism, familial isolated, 2. Last evaluated: 2021-12-30. Review status: criteria provided, single submitter. Criteria: ACMG Guidelines, 2015. Collection method: clinical testing. Allele origin: unknown.

Illumina Laboratory Services, Illumina
Classification: Uncertain significance for Hypoparathyroidism, familial isolated 1. Last evaluated: 2018-01-12. Review status: criteria provided, single submitter. Criteria: ICSL Variant Classification Criteria 13 December 2019. Collection method: clinical testing. Allele origin: germline.

NM_004752.4(GCM2):c.1063G>A (p.Ala355Thr)

Gene: GCM2 (glial cells missing transcription factor 2; minus strand). Cytogenetic location: 6p24.2.
Variant type: single nucleotide variant.
Coding change: c.1063G>A on transcript NM_004752.4 (MANE Select); coding-DNA position 1063, G replaced by A.
Protein change: p.Ala355Thr; replaces alanine 355 with threonine.
Molecular consequence: missense variant.
Genome position (GRCh38, 1-based): chr6:10,874,453, C>T on the plus strand (G>A on the coding strand, the complement: GCM2 is on the minus strand). VCF-style: chr6-10874453-C-T. GRCh37 (hg19) VCF-style: chr6-10874686-C-T.
Other names: short protein forms A355T.
Identifiers: ClinVar variation 905293 (VCV000905293.7), dbSNP rs764488668, ClinGen allele CA3633960.